The following is an entry in ClinVar:

ClinVar aggregate classification (germline): Benign/Likely benign. Review status: criteria provided, multiple submitters, no conflicts (2 of 4 stars). 7 submissions from 7 submitters: Benign (4); Likely benign (1). 2 of the submissions do not count toward it. Last evaluated 2026-03-01.

Conditions:
Osteogenesis imperfecta (OI). Identifiers: Orphanet 666, MedGen C0029434, MeSH D010013, MONDO:0019019.
Osteogenesis imperfecta type 14. Also called: OI, TYPE XIV; Osteogenesis imperfecta, type xiv. Identifiers: Orphanet 666, MedGen C3554428, MONDO:0014029, OMIM 615066.

Allele frequency attached by ClinVar (database versions not stated): gnomAD 0.00484 and 0.00464; ESP Exome Variant Server 0.00607; 1000 Genomes Project 30x 0.00172; 1000 Genomes Project 0.00180; TOPMed 0.00366.
gnomAD v4.1: 10,422 of 1,610,586 alleles (0.65%); highest among the groups gnomAD compares: Non-Finnish European, 0.78%; 50 homozygotes.

Submissions (7):

CeGaT Center for Human Genetics Tuebingen
Classification: Likely benign. Last evaluated: 2026-03-01. Review status: criteria provided, single submitter. Criteria: CeGaT Center For Human Genetics Tuebingen Variant Classification Criteria Version 2. Collection method: clinical testing. Allele origin: germline. Affected: yes. Observed: 4 variant alleles.
Comment: TMEM38B: BP4, BS2

Labcorp Genetics (formerly Invitae), Labcorp
Classification: Benign. Last evaluated: 2026-02-01. Review status: criteria provided, single submitter. Criteria: Invitae Variant Classification Sherloc (09022015). Collection method: clinical testing. Allele origin: germline.

ARUP Laboratories, Molecular Genetics and Genomics, ARUP Laboratories
Classification: Benign for Osteogenesis imperfecta type 14. Last evaluated: 2023-11-03. Review status: criteria provided, single submitter. Criteria: ARUP Molecular Germline Variant Investigation Process 2024. Collection method: clinical testing. Allele origin: germline.

Genome Diagnostics Laboratory, The Hospital for Sick Children
Classification: Benign for Osteogenesis imperfecta. Last evaluated: 2022-01-28. Review status: criteria provided, single submitter. Criteria: ACMG Guidelines, 2015. Collection method: clinical testing. Allele origin: germline.

GeneDx
Classification: Benign. Last evaluated: 2018-10-11. Review status: criteria provided, single submitter. Criteria: GeneDx Variant Classification Process June 2021. Collection method: clinical testing. Allele origin: germline. Affected: yes.

Genome Diagnostics Laboratory, Amsterdam University Medical Center
Classification: Benign. Review status: no assertion criteria provided. Collection method: clinical testing. Allele origin: germline. Affected: yes. Study: VKGL Data-share Consensus. Not counted in ClinVar's aggregate classification.

Laboratory of Diagnostic Genome Analysis, Leiden University Medical Center (LUMC)
Classification: Likely benign. Review status: no assertion criteria provided. Collection method: clinical testing. Allele origin: germline. Affected: yes. Study: VKGL Data-share Consensus. Not counted in ClinVar's aggregate classification.

NM_018112.3(TMEM38B):c.113-7A>G

Gene: TMEM38B (transmembrane protein 38B; plus strand). Cytogenetic location: 9q31.2.
Variant type: single nucleotide variant.
Coding change: c.113-7A>G on transcript NM_018112.3 (MANE Select); 7 bases into the intron before coding-DNA position 113, A replaced by G.
Molecular consequence: intron variant.
Genome position (GRCh38, 1-based): chr9:105,705,590, A>G. VCF-style: chr9-105705590-A-G. GRCh37 (hg19) VCF-style: chr9-108467871-A-G.
Identifiers: ClinVar variation 713913 (VCV000713913.59), dbSNP rs186864213, ClinGen allele CA5170801.
Genomic context (GRCh38, chr9:105,705,590, plus strand): 5'-TTGTACTTTGGGGCTTGTTTAATAAATGTATAATGATCACAGACCATATTTTACTTTACC[A>G]TTTCAGGAGCAGCTGCATTGGCATGGAAGAATCCTATTTCAAGCTGGTTTACTGCTATGC-3'